The following is an entry in ClinVar:

NM_006424.3(SLC34A2):c.439C>A (p.Leu147Met)

Gene: SLC34A2 (solute carrier family 34 member 2; plus strand). Cytogenetic location: 4p15.2.
Variant type: single nucleotide variant.
Coding change: c.439C>A on transcript NM_006424.3 (MANE Select); coding-DNA position 439, C replaced by A.
Protein change: p.Leu147Met; replaces leucine 147 with methionine.
Molecular consequence: missense variant.
Genome position (GRCh38, 1-based): chr4:25,666,187, C>A. VCF-style: chr4-25666187-C-A. GRCh37 (hg19) VCF-style: chr4-25667809-C-A.
Other names: c.436C>A, p.Leu146Met (NM_001177998.2, NM_001177999.2); short protein forms L147M, L146M.
Identifiers: ClinVar variation 4742057 (VCV004742057.1).

ClinVar aggregate classification (germline): Uncertain significance (1 of 4 stars; one submission).

Submission:

Labcorp Genetics (formerly Invitae), Labcorp
Classification: Uncertain significance. Last evaluated: 2025-08-04. Review status: criteria provided, single submitter. Criteria: Invitae Variant Classification Sherloc (09022015). Collection method: clinical testing. Allele origin: germline.
Comment: This sequence change replaces leucine, which is neutral and non-polar, with methionine, which is neutral and non-polar, at codon 147 of the SLC34A2 protein (p.Leu147Met). This variant is not present in population databases (gnomAD no frequency). This variant has not been reported in the literature in individuals affected with SLC34A2-related conditions. Invitae Evidence Modeling of protein sequence and biophysical properties (such as structural, functional, and spatial information, amino acid conservation, physicochemical variation, residue mobility, and thermodynamic stability) indicates that this missense variant is not expected to disrupt SLC34A2 protein function with a negative predictive value of 80%. In summary, the available evidence is currently insufficient to determine the role of this variant in disease. Therefore, it has been classified as a Variant of Uncertain Significance.